The following is an entry in ClinVar:

ClinVar aggregate classification (germline): Uncertain significance. Review status: criteria provided, multiple submitters, no conflicts (2 of 4 stars). 2 submissions from 2 submitters: Uncertain significance (2). Last evaluated 2024-01-23.

Conditions:
Acyl-CoA oxidase deficiency. Also called: Peroxisomal acyl-CoA oxidase deficiency; STRAIGHT-CHAIN ACYL-CoA OXIDASE DEFICIENCY; Pseudoneonatal adrenoleukodystrophy. Identifiers: Orphanet 2971, MedGen C1849678, MONDO:0009919, OMIM 264470. Disease mechanism: loss of function.

Allele frequency attached by ClinVar (database versions not stated): gnomAD exomes below 0.00001; gnomAD 0.00001.
gnomAD v4.1: 3 of 1,614,052 alleles (0.00019%); highest among the groups gnomAD compares: Admixed American, 0.0033%; no homozygotes.

Submissions (2):

GeneDx
Classification: Uncertain significance. Last evaluated: 2024-01-23. Review status: criteria provided, single submitter. Criteria: GeneDx Variant Classification Process June 2021. Collection method: clinical testing. Allele origin: germline. Affected: yes.
Comment: In silico analysis supports that this missense variant has a deleterious effect on protein structure/function; Has not been previously published as pathogenic or benign to our knowledge

Labcorp Genetics (formerly Invitae), Labcorp
Classification: Uncertain significance for Acyl-CoA oxidase deficiency. Last evaluated: 2021-09-09. Review status: criteria provided, single submitter. Criteria: Invitae Variant Classification Sherloc (09022015). Collection method: clinical testing. Allele origin: germline.
Comment: This sequence change replaces glycine with glutamic acid at codon 572 of the ACOX1 protein (p.Gly572Glu). The glycine residue is moderately conserved and there is a moderate physicochemical difference between glycine and glutamic acid. This variant is not present in population databases (ExAC no frequency). This variant has not been reported in the literature in individuals affected with ACOX1-related conditions. Algorithms developed to predict the effect of missense changes on protein structure and function are either unavailable or do not agree on the potential impact of this missense change (SIFT: "Deleterious"; PolyPhen-2: "Probably Damaging"; Align-GVGD: "Class C0"). In summary, the available evidence is currently insufficient to determine the role of this variant in disease. Therefore, it has been classified as a Variant of Uncertain Significance.

NM_004035.7(ACOX1):c.1715G>A (p.Gly572Glu)

Gene: ACOX1 (acyl-CoA oxidase 1; minus strand). Cytogenetic location: 17q25.1.
Variant type: single nucleotide variant.
Coding change: c.1715G>A on transcript NM_004035.7 (MANE Select); coding-DNA position 1715, G replaced by A.
Protein change: p.Gly572Glu; replaces glycine 572 with glutamic acid.
Molecular consequence: missense variant.
Genome position (GRCh38, 1-based): chr17:75,949,230, C>T on the plus strand (G>A on the coding strand, the complement: ACOX1 is on the minus strand). VCF-style: chr17-75949230-C-T. GRCh37 (hg19) VCF-style: chr17-73945311-C-T.
Other names: c.1601G>A, p.Gly534Glu (NM_001185039.2); c.1715G>A, p.Gly572Glu (NM_007292.6); c.1715G>A (NM_004035.6); short protein forms G534E, G572E.
Identifiers: ClinVar variation 1350978 (VCV001350978.4), dbSNP rs889815360, ClinGen allele CA294106088.